The following is an entry in ClinVar:

NM_023110.3(FGFR1):c.2348C>T (p.Thr783Ile)

Gene: FGFR1 (fibroblast growth factor receptor 1; minus strand). Cytogenetic location: 8p11.23.
Variant type: single nucleotide variant.
Coding change: c.2348C>T on transcript NM_023110.3 (MANE Select); coding-DNA position 2348, C replaced by T.
Protein change: p.Thr783Ile; replaces threonine 783 with isoleucine.
Molecular consequence: missense variant. On other transcripts: intron variant (3).
Genome position (GRCh38, 1-based): chr8:38,413,749, G>A on the plus strand (C>T on the coding strand, the complement: FGFR1 is on the minus strand). VCF-style: chr8-38413749-G-A. GRCh37 (hg19) VCF-style: chr8-38271267-G-A.
Other names: c.2348C>T, p.Thr783Ile (NM_000604.2); c.2342C>T, p.Thr781Ile (NM_001174063.2, NM_001174065.2, NM_015850.4); c.2318C>T, p.Thr773Ile (NM_001174064.2); c.2081C>T, p.Thr694Ile (NM_001174066.2, NM_023105.3); c.2441C>T, p.Thr814Ile (NM_001174067.2); c.2069C>T, p.Thr690Ile (NM_001354368.2); c.2336C>T, p.Thr779Ile (NM_001410922.1); c.2075C>T, p.Thr692Ile (NM_023106.3); and 3 more; short protein forms T690I, T781I, T694I, T779I, T783I, T814I, T692I, T773I.
Identifiers: ClinVar variation 2933485 (VCV002933485.6), dbSNP rs1815191043, ClinGen allele CA370726938.

ClinVar aggregate classification (germline): Uncertain significance. Review status: criteria provided, multiple submitters, no conflicts (2 of 4 stars). 3 submissions from 3 submitters: Uncertain significance (2). 1 of the submissions does not count toward it. Last evaluated 2025-08-31.

Conditions:
Inborn genetic diseases. Identifiers: MedGen C0950123, MeSH D030342.
FGFR1-related disorder. Also called: FGFR1-related condition; FGFR1-related disorders. Identifiers: MedGen CN380097.
Hypogonadotropic hypogonadism 2 with or without anosmia (HH2). Also called: HYPOGONADOTROPIC HYPOGONADISM 2 WITHOUT ANOSMIA; HYPOGONADOTROPIC HYPOGONADISM 2 WITH OR WITHOUT ANOSMIA, SUSCEPTIBILITY TO; HYPOGONADOTROPIC HYPOGONADISM 2 WITHOUT ANOSMIA, SUSCEPTIBILITY TO; FGFR1-Related GnRH Deficiency (Kallmann Syndrome 2). Identifiers: Orphanet 478, MedGen C1563720, MONDO:0007844, OMIM 147950. Disease mechanism: loss of function.
Pfeiffer syndrome (ACS5). Also called: ACS V. Identifiers: Orphanet 710, MedGen C0220658, MONDO:0007043, OMIM 101600.

Allele frequency attached by ClinVar (database versions not stated): TOPMed below 0.00001; gnomAD 0.00001.
gnomAD v4.1: 1 of 1,614,070 alleles (0.000062%); highest among the groups gnomAD compares: South Asian, 0.0011%; no homozygotes.

Submissions (3):

Ambry Genetics
Classification: Uncertain significance for Inborn genetic diseases. Last evaluated: 2025-08-31. Review status: criteria provided, single submitter. Criteria: Ambry Variant Classification Scheme 2023. Collection method: clinical testing. Allele origin: germline.

Labcorp Genetics (formerly Invitae), Labcorp
Classification: Uncertain significance for Pfeiffer syndrome; Hypogonadotropic hypogonadism 2 with or without anosmia. Last evaluated: 2023-03-08. Review status: criteria provided, single submitter. Criteria: Invitae Variant Classification Sherloc (09022015). Collection method: clinical testing. Allele origin: germline.
Comment: This sequence change replaces threonine, which is neutral and polar, with isoleucine, which is neutral and non-polar, at codon 783 of the FGFR1 protein (p.Thr783Ile). This variant is not present in population databases (gnomAD no frequency). This variant has not been reported in the literature in individuals affected with FGFR1-related conditions. Advanced modeling of protein sequence and biophysical properties (such as structural, functional, and spatial information, amino acid conservation, physicochemical variation, residue mobility, and thermodynamic stability) has been performed at Invitae for this missense variant, however the output from this modeling did not meet the statistical confidence thresholds required to predict the impact of this variant on FGFR1 protein function. In summary, the available evidence is currently insufficient to determine the role of this variant in disease. Therefore, it has been classified as a Variant of Uncertain Significance.

PreventionGenetics, part of Exact Sciences
Classification: Uncertain significance for FGFR1-related condition. Last evaluated: 2024-04-22. Review status: no assertion criteria provided. Collection method: clinical testing. Allele origin: germline. Not counted in ClinVar's aggregate classification.
Comment: The FGFR1 c.2348C>T variant is predicted to result in the amino acid substitution p.Thr783Ile. To our knowledge, this variant has not been reported in the literature or in a large population database, indicating this variant is rare. At this time, the clinical significance of this variant is uncertain due to the absence of conclusive functional and genetic evidence.